The following is an entry in ClinVar:

ClinVar aggregate classification (germline): Uncertain significance. Review status: criteria provided, multiple submitters, no conflicts (2 of 4 stars). 3 submissions from 3 submitters: Uncertain significance (3). Last evaluated 2026-02-27.

Conditions:
CFI-related disorder. Also called: CFI-related disorders; CFI-related condition. Identifiers: MedGen CN239325.

Allele frequency attached by ClinVar (database versions not stated): gnomAD exomes below 0.00001.
gnomAD v4.1: 7 of 1,557,090 alleles (0.00045%); highest among the groups gnomAD compares: Admixed American, 0.0017%; no homozygotes.

Submissions (3):

Women's Health and Genetics/Laboratory Corporation of America, LabCorp
Classification: Uncertain significance. Last evaluated: 2026-02-27. Review status: criteria provided, single submitter. Criteria: LabCorp Variant Classification Summary - May 2015. Collection method: clinical testing. Allele origin: germline.
Comment: Variant summary: CFI c.667A>G (p.Met223Val) results in a conservative amino acid change in the encoded protein sequence. Algorithms developed to predict the effect of missense changes on protein structure and function all suggest that this variant is likely to be tolerated. The variant allele was found at a frequency of 4e-06 in 251098 control chromosomes. The available data on variant occurrences in the general population are insufficient to allow any conclusion about variant significance. c.667A>G has been observed in at least one individual affected with atypical haemolytic uraemic syndrome (e.g. Gleeson_2016). These report(s) do not provide unequivocal conclusions about association of the variant with atypical haemolytic uraemic syndrome. To our knowledge, no experimental evidence demonstrating an impact on protein function has been reported. The following publication has been ascertained in the context of this evaluation (PMID: 27268256). ClinVar contains an entry for this variant (Variation ID: 2203561). Based on the evidence outlined above, the variant was classified as uncertain significance.

Labcorp Genetics (formerly Invitae), Labcorp
Classification: Uncertain significance. Last evaluated: 2026-01-02. Review status: criteria provided, single submitter. Criteria: Invitae Variant Classification Sherloc (09022015). Collection method: clinical testing. Allele origin: germline.
Comment: This sequence change replaces methionine, which is neutral and non-polar, with valine, which is neutral and non-polar, at codon 223 of the CFI protein (p.Met223Val). This variant is present in population databases (no rsID available, gnomAD 0.0009%). This missense change has been observed in individual(s) with atypical haemolytic uraemic syndrome (PMID: 27268256). ClinVar contains an entry for this variant (Variation ID: 2203561). Invitae Evidence Modeling of protein sequence and biophysical properties (such as structural, functional, and spatial information, amino acid conservation, physicochemical variation, residue mobility, and thermodynamic stability) indicates that this missense variant is not expected to disrupt CFI protein function with a negative predictive value of 95%. In summary, the available evidence is currently insufficient to determine the role of this variant in disease. Therefore, it has been classified as a Variant of Uncertain Significance.

Genomenon, Inc
Classification: Uncertain significance for CFI-related disorder. Last evaluated: 2025-09-26. Review status: criteria provided, single submitter. Criteria: Genomenon Sequence Variant Interpretation Standards - Updated. Collection method: curation. Allele origin: germline. Affected: no.
Comment: CFI p.Met223Val (c.667A>G) is a missense variant that changes the amino acid at residue 223 from Methionine to Valine. To our knowledge, this variant has not been reported in patients affected with CFI-related disorders in the expected inheritance pattern in the published literature (PMID:27268256). It is absent or not present at a significant frequency in gnomAD. In silico models agree that this variant is not damaging. In conclusion, we classify CFI p.Met223Val (c.667A>G) as a variant of unknown significance.

Literature cited by the submitters: PubMed 27268256 (cited by 3 submitters).

NM_000204.5(CFI):c.667A>G (p.Met223Val)

Gene: CFI (complement factor I; minus strand). Cytogenetic location: 4q25.
Variant type: single nucleotide variant.
Coding change: c.667A>G on transcript NM_000204.5 (MANE Select); coding-DNA position 667, A replaced by G.
Protein change: p.Met223Val; replaces methionine 223 with valine.
Molecular consequence: missense variant. On other transcripts: non-coding transcript variant (3).
Genome position (GRCh38, 1-based): chr4:109,760,628, T>C on the plus strand (A>G on the coding strand, the complement: CFI is on the minus strand). VCF-style: chr4-109760628-T-C. GRCh37 (hg19) VCF-style: chr4-110681784-T-C.
Other names: c.667A>G, p.Met223Val (NM_001318057.2, NM_001331035.2, NM_001375278.1 and 5 more transcripts); c.58A>G, p.Met20Val (NM_001375284.1); short protein forms M20V, M223V.
Identifiers: ClinVar variation 2203561 (VCV002203561.6), dbSNP rs1384481890, ClinGen allele CA357862242.